The following is an entry in ClinVar:

NM_020366.4(RPGRIP1):c.491-3T>C

Gene: RPGRIP1 (RPGR interacting protein 1; plus strand). Cytogenetic location: 14q11.2.
Variant type: single nucleotide variant.
Coding change: c.491-3T>C on transcript NM_020366.4 (MANE Select); 3 bases into the intron before coding-DNA position 491, T replaced by C.
Molecular consequence: intron variant.
Genome position (GRCh38, 1-based): chr14:21,302,485, T>C. VCF-style: chr14-21302485-T-C. GRCh37 (hg19) VCF-style: chr14-21770644-T-C.
Identifiers: ClinVar variation 841666 (VCV000841666.16), dbSNP rs749376395, ClinGen allele CA7088676.
Genomic context (GRCh38, chr14:21,302,485, plus strand): 5'-TCAGTACTTGGTGTTCCGGAGGGTACTGTTGCCCGAGTCTGCATCTTCTGTCTAAACTTT[T>C]AGGGCCAAGGGACAGGCTGAGCTACACAGCCCCTCCATCGTTTAAGGAGCATGCGACAAA-3'

ClinVar aggregate classification (germline): Conflicting classifications of pathogenicity. Review status: criteria provided, conflicting classifications (1 of 4 stars). 9 submissions from 7 submitters: Uncertain significance (5); Likely benign (1). 3 of the submissions do not count toward it. Last evaluated 2024-09-20.

Conditions:
Leber congenital amaurosis 6 (LCA6). Identifiers: Orphanet 65, MedGen C1854260, MONDO:0013446, OMIM 613826.
Cone-rod dystrophy 13 (CORD13). Identifiers: Orphanet 1872, MedGen C2750720, MONDO:0011987, OMIM 608194.
RPGRIP1-related disorder. Also called: RPGRIP1-related condition.

Allele frequency attached by ClinVar (database versions not stated): TOPMed 0.00010; gnomAD 0.00011 and 0.00010; gnomAD exomes 0.00013 and 0.00016; ExAC 0.00039.
gnomAD v4.1: 192 of 1,528,838 alleles (0.013%); highest among the groups gnomAD compares: Non-Finnish European, 0.015%; no homozygotes.

Submissions (9):

Blueprint Genetics
Classification: Likely benign. Last evaluated: 2024-09-20. Review status: criteria provided, single submitter. Criteria: ACMG Guidelines, 2015. Collection method: clinical testing. Allele origin: germline.

Labcorp Genetics (formerly Invitae), Labcorp
Classification: Uncertain significance for Leber congenital amaurosis 6; Cone-rod dystrophy 13. Last evaluated: 2023-11-12. Review status: criteria provided, single submitter. Criteria: Invitae Variant Classification Sherloc (09022015). Collection method: clinical testing. Allele origin: germline.
Comment: This sequence change falls in intron 3 of the RPGRIP1 gene. It does not directly change the encoded amino acid sequence of the RPGRIP1 protein. It affects a nucleotide within the consensus splice site. This variant is present in population databases (rs749376395, gnomAD 0.03%). This variant has not been reported in the literature in individuals affected with RPGRIP1-related conditions. ClinVar contains an entry for this variant (Variation ID: 841666). Variants that disrupt the consensus splice site are a relatively common cause of aberrant splicing (PMID: 17576681, 9536098). Algorithms developed to predict the effect of sequence changes on RNA splicing suggest that this variant is not likely to affect RNA splicing. In summary, the available evidence is currently insufficient to determine the role of this variant in disease. Therefore, it has been classified as a Variant of Uncertain Significance.

Genome-Nilou Lab
Classification: Uncertain significance for Leber congenital amaurosis 6. Last evaluated: 2021-11-07. Review status: criteria provided, single submitter. Criteria: ACMG Guidelines, 2015. Collection method: clinical testing. Allele origin: germline. Affected: no.

Genome-Nilou Lab
Classification: Uncertain significance for Cone-rod dystrophy 13. Last evaluated: 2021-11-07. Review status: criteria provided, single submitter. Criteria: ACMG Guidelines, 2015. Collection method: clinical testing. Allele origin: germline. Affected: no.

Illumina Laboratory Services, Illumina
Classification: Uncertain significance for Leber congenital amaurosis 6. Last evaluated: 2018-01-13. Review status: criteria provided, single submitter. Criteria: ICSL Variant Classification Criteria 13 December 2019. Collection method: clinical testing. Allele origin: germline.

Illumina Laboratory Services, Illumina
Classification: Uncertain significance for Cone-rod dystrophy 13. Last evaluated: 2018-01-13. Review status: criteria provided, single submitter. Criteria: ICSL Variant Classification Criteria 13 December 2019. Collection method: clinical testing. Allele origin: germline.

PreventionGenetics, part of Exact Sciences
Classification: Likely benign for RPGRIP1-related condition. Last evaluated: 2021-01-26. Review status: no assertion criteria provided. Collection method: clinical testing. Allele origin: germline. Not counted in ClinVar's aggregate classification.
Comment: This variant is classified as likely benign based on ACMG/AMP sequence variant interpretation guidelines (Richards et al. 2015 PMID: 25741868, with internal and published modifications).

Clinical Genetics DNA and cytogenetics Diagnostics Lab, Erasmus MC, Erasmus Medical Center
Classification: Likely benign. Review status: no assertion criteria provided. Collection method: clinical testing. Allele origin: germline. Affected: yes. Study: VKGL Data-share Consensus. Not counted in ClinVar's aggregate classification.

Clinical Genetics, Academic Medical Center
Classification: Benign. Review status: no assertion criteria provided. Collection method: clinical testing. Allele origin: germline. Affected: yes. Study: VKGL Data-share Consensus. Not counted in ClinVar's aggregate classification.

Literature cited by the submitters: PubMed 17576681 (cited by Labcorp Genetics (formerly Invitae), Labcorp); PubMed 9536098 (cited by Labcorp Genetics (formerly Invitae), Labcorp).